The following is an entry in ClinVar:

ClinVar aggregate classification (germline): Pathogenic. Review status: criteria provided, multiple submitters, no conflicts (2 of 4 stars). 18 submissions from 18 submitters: Pathogenic (13). 5 of the submissions do not count toward it. Last evaluated 2025-03-18.

Conditions:
Rare genetic deafness. Identifiers: Orphanet 96210, MedGen C5680250.
PCDH15-related disorder. Also called: PCDH15-related disorders; PCDH15-related condition.
Autosomal recessive nonsyndromic hearing loss 23. Identifiers: Orphanet 90636, MedGen C1836027, MONDO:0012293, OMIM 609533.
Usher syndrome type 1D (USH1D). Also called: USHER SYNDROME, TYPE ID. Identifiers: Orphanet 231169, Orphanet 886, MedGen C1832845, MONDO:0010984, OMIM 601067.
Usher syndrome type 1F (USH1F). Also called: USHER SYNDROME, TYPE IF. Identifiers: Orphanet 231169, Orphanet 886, MedGen C1865885, MONDO:0011186, OMIM 602083.

Allele frequency attached by ClinVar (database versions not stated): gnomAD 0.00001; gnomAD exomes 0.00002 and 0.00001; ExAC 0.00001.
gnomAD v4.1: 16 of 1,610,356 alleles (0.00099%); highest among the groups gnomAD compares: South Asian, 0.0055%; no homozygotes.

Submissions 1 to 10 of 18:

First Genomix Gene Laboratory, Genetic Diagnostics Department
Classification: Pathogenic for Autosomal recessive nonsyndromic hearing loss 23; Usher syndrome type 1F. Last evaluated: 2025-03-18. Review status: criteria provided, single submitter. Criteria: ACMG Guidelines, 2015. Collection method: clinical testing. Allele origin: germline. Inheritance: Autosomal recessive inheritance. Affected: no. Observed: 1 variant allele.

GeneDx
Classification: Pathogenic. Last evaluated: 2025-03-18. Review status: criteria provided, single submitter. Criteria: GeneDx Variant Classification Process June 2021. Collection method: clinical testing. Allele origin: germline. Affected: yes.
Comment: Nonsense variant predicted to result in protein truncation or nonsense mediated decay in a gene for which loss of function is a known mechanism of disease; Not observed at significant frequency in large population cohorts (gnomAD); This variant is associated with the following publications: (PMID: 11487575, 27460420, 31589614, 25404053, 31541171)

Natera, Inc.
Classification: Pathogenic for Usher syndrome type 1F. Last evaluated: 2025-02-10. Review status: criteria provided, single submitter. Criteria: Natera Variant Classification Schema (03/2026). Collection method: clinical testing. Allele origin: germline.
Comment: The c.7C>T variant in PCDH15 is a nonsense variant predicted to introduce a stop codon at amino acid 3. This variant is expected to result in nonsense mediated decay, truncation, or a dysfunctional protein product. This variant is rare in the general population with a frequency below the threshold expected for the associated phenotype(s). This variant has been observed in one or more individuals affected with the associated recessive disease, as either homozygous or compound heterozygous with a second variant (PMID: 18719945). Additionally, this variant has been observed to segregate in affected family members (PMID: 18719945). Given the available evidence, this variant is classified as Pathogenic.

Baylor Genetics
Classification: Pathogenic for Autosomal recessive nonsyndromic hearing loss 23. Last evaluated: 2024-02-06. Review status: criteria provided, single submitter. Criteria: ACMG Guidelines, 2015. Collection method: clinical testing. Allele origin: unknown.

Wonkam Laboratory, Johns Hopkins University
Classification: Pathogenic for Autosomal recessive nonsyndromic hearing loss 23. Last evaluated: 2024-01-06. Review status: criteria provided, single submitter. Criteria: ACMG Guidelines, 2015. Collection method: research. Allele origin: germline. Inheritance: Autosomal recessive inheritance. Affected: yes. Observed: 3 variant alleles. Clinical features observed: Profound nonsyndromic hearing loss.
Comment: This variant PCDH15 c.7C>T (NM_001142763.1 ) is prediccted to lead to null variant in a gene where LOF is a known mechanism of disease (PVS1). This variant was absent from controls (or at extremely low frequency if recessive) in Exome Sequencing Project, 1000 Genomes Project, or Exome Aggregation Consortium (PM2), Multiple lines of computational evidence support a deleterious effect on the gene or gene product (conservation, evolutionary, splicing impact, etc.) (PP3), reputable source recently reports variant as pathogenic, but the evidence is not available to the laboratory to perform an independent evaluation (PP5)

Fulgent Genetics
Classification: Pathogenic for Usher syndrome type 1D; Usher syndrome type 1F; Autosomal recessive nonsyndromic hearing loss 23. Last evaluated: 2024-01-02. Review status: criteria provided, single submitter. Criteria: ACMG Guidelines, 2015. Collection method: clinical testing. Allele origin: germline.

Broad Center for Mendelian Genomics, Broad Institute of MIT and Harvard
Classification: Pathogenic for Usher syndrome type 1F. Last evaluated: 2023-01-24. Review status: criteria provided, single submitter. Criteria: ACMG Guidelines, 2015. Collection method: curation. Allele origin: germline. Inheritance: Autosomal recessive inheritance.
Comment: The p.Arg3Ter variant in PCDH15 has been reported in 4 individuals with Usher syndrome type 1F (PMID: 11487575, 18719945, 27460420, 31541171), segregated with disease in 5 affected relatives from 2 families (PMID: 18719945, 11487575), and has been identified in 0.007% (2/30248) of South Asian chromosomes by the Genome Aggregation Database (gnomAD; dbSNP ID: rs137853001). Although this variant has been seen in the general population in a heterozygous state, its frequency is low enough to be consistent with a recessive carrier frequency. This variant has also been reported in ClinVar (Variation ID#: 4931) and has been interpreted as pathogenic or likely pathogenic by multiple laboratories. Of the 4 affected individuals, 3 of those were homozygotes, which increases the likelihood that the p.Arg3Ter variant is pathogenic (PMID: 11487575, 18719945, 27460420). This nonsense variant leads to a premature termination codon at position 3, which is predicted to lead to a truncated or absent protein. Loss of function of the PCDH15 gene is an established disease mechanism in autosomal recessive Usher syndrome type 1F. In summary, this variant meets criteria to be classified as pathogenic for autosomal recessive Usher syndrome type 1F. ACMG/AMP Criteria applied: PVS1, PM3, PM2_supporting, PP1_strong (Richards 2015).

Labcorp Genetics (formerly Invitae), Labcorp
Classification: Pathogenic. Last evaluated: 2022-11-23. Review status: criteria provided, single submitter. Criteria: Invitae Variant Classification Sherloc (09022015). Collection method: clinical testing. Allele origin: germline.
Comment: This premature translational stop signal has been observed in individuals with Usher syndrome (PMID: 11487575, 25404053, 27440999, 27460420). For these reasons, this variant has been classified as Pathogenic. ClinVar contains an entry for this variant (Variation ID: 4931). This variant is present in population databases (rs137853001, gnomAD 0.007%). This sequence change creates a premature translational stop signal (p.Arg3*) in the PCDH15 gene. It is expected to result in an absent or disrupted protein product. Loss-of-function variants in PCDH15 are known to be pathogenic (PMID: 11398101, 11487575, 14570705).

Blueprint Genetics
Classification: Pathogenic for PCDH15-related disorders. Last evaluated: 2020-04-29. Review status: criteria provided, single submitter. Criteria: ACMG Guidelines, 2015. Collection method: clinical testing. Allele origin: germline. Affected: yes. Observed: 4 variant alleles.

Women's Health and Genetics/Laboratory Corporation of America, LabCorp
Classification: Pathogenic for Usher syndrome type 1F. Last evaluated: 2017-06-15. Review status: criteria provided, single submitter. Criteria: LabCorp Variant Classification Summary - May 2015. Collection method: clinical testing. Allele origin: germline.
Comment: Variant summary: The PCDH15 c.7C>T (p.Arg3X) variant results in a premature termination codon, predicted to cause a truncated or absent PCDH15 protein due to nonsense mediated decay, which are commonly known mechanisms for disease. One truncation downstream of this position have been classified as pathogenic by our laboratory (e.g. c.733C>T, p.Arg245X). One in silico tool predicts a damaging outcome for this variant. This variant was found in 1/108974 control chromosomes at a frequency of 0.0000092, which does not exceed the estimated maximal expected allele frequency of a pathogenic PCDH15 variant (0.0031623). This variant has been reported in multiple studies in patients with USH syndrome, in both homozygotes and heterozygotes (Ahmed_AJHG_2001, Jaijo_BMB_2010, Roux_Invest Ophthalmol Vis Sci_2011), with the UMD-PCDH15 database reporting this variant in 14 patients. In addition, multiple clinical diagnostic laboratories/reputable databases classified this variant as likely pathogenic/pathogenic. Taken together, this variant is classified as pathogenic.

NM_001384140.1(PCDH15):c.7C>T (p.Arg3Ter)

Gene: PCDH15 (protocadherin related 15; minus strand). Cytogenetic location: 10q21.1.
Variant type: single nucleotide variant.
Coding change: c.7C>T on transcript NM_001384140.1 (MANE Select); coding-DNA position 7, C replaced by T.
Protein change: p.Arg3Ter; replaces arginine 3 with a stop codon.
Molecular consequence: nonsense.
Genome position (GRCh38, 1-based): chr10:54,664,256, G>A on the plus strand (C>T on the coding strand, the complement: PCDH15 is on the minus strand). VCF-style: chr10-54664256-G-A. GRCh37 (hg19) VCF-style: chr10-56424016-G-A.
Other names: NM_001384140.1(PCDH15):c.7C>T; p.Arg3Ter; c.7C>T, p.Arg3Ter (NM_001142763.2, NM_001142764.2, NM_001142765.2 and 14 more transcripts); short protein forms R3*.
Identifiers: ClinVar variation 4931 (VCV000004931.68), dbSNP rs137853001, ClinGen allele CA253340.
Genomic context (GRCh38, chr10:54,664,256, plus strand): 5'-TTTCAAAGAGAGAGCCCAGGATGATCCCTGAAGCTAAACATGTCCAGAGATAAAACTGTC[G>A]AAACATCTTCTGTCAAAGTTCACTCAAAGCTGATCTGAAATAAGAAAAGGTAGAAAGAAA-3'